The following is an entry in ClinVar:

ClinVar aggregate classification (germline): Uncertain significance (1 of 4 stars; one submission).

Conditions:
PLXNA2-related disorder. Also called: PLXNA2-related condition.

gnomAD v4.1: 8 of 1,613,568 alleles (0.0005%); highest among the groups gnomAD compares: African/African-American, 0.0054%; no homozygotes.

Submission:

PreventionGenetics, part of Exact Sciences
Classification: Uncertain significance for PLXNA2-related condition. Last evaluated: 2025-11-01. Review status: criteria provided, single submitter. Criteria: ACMG Guidelines, 2015. Collection method: clinical testing. Allele origin: germline.
Comment: The PLXNA2 c.3614A>G variant is predicted to result in the amino acid substitution p.Asn1205Ser. To our knowledge, this variant has not been reported in the literature. This variant is reported in 0.0080% of alleles in individuals of African descent in gnomAD. At this time, the clinical significance of this variant is uncertain due to the absence of conclusive functional and genetic evidence.

NM_025179.4(PLXNA2):c.3614A>G (p.Asn1205Ser)

Gene: PLXNA2 (plexin A2; minus strand). Cytogenetic location: 1q32.2.
Variant type: single nucleotide variant.
Coding change: c.3614A>G on transcript NM_025179.4 (MANE Select); coding-DNA position 3614, A replaced by G.
Protein change: p.Asn1205Ser; replaces asparagine 1205 with serine.
Molecular consequence: missense variant.
Genome position (GRCh38, 1-based): chr1:208,045,092, T>C on the plus strand (A>G on the coding strand, the complement: PLXNA2 is on the minus strand). VCF-style: chr1-208045092-T-C. GRCh37 (hg19) VCF-style: chr1-208218437-T-C.
Other names: short protein forms N1205S.
Identifiers: ClinVar variation 4985826 (VCV004985826.1).